The following is an entry in ClinVar:

NM_001267550.2(TTN):c.44210G>T (p.Arg14737Leu)

Gene: TTN (titin; minus strand). Cytogenetic location: 2q31.2.
Variant type: single nucleotide variant.
Coding change: c.44210G>T on transcript NM_001267550.2 (MANE Select); coding-DNA position 44210, G replaced by T.
Protein change: p.Arg14737Leu; replaces arginine 14737 with leucine.
Molecular consequence: missense variant.
Genome position (GRCh38, 1-based): chr2:178,630,312, C>A on the plus strand (G>T on the coding strand, the complement: TTN is on the minus strand). VCF-style: chr2-178630312-C-A. GRCh37 (hg19) VCF-style: chr2-179495039-C-A.
Other names: p.Arg12169Leu; c.39287G>T, p.Arg13096Leu (NM_001256850.1); c.17015G>T, p.Arg5672Leu (NM_003319.4); c.36506G>T, p.Arg12169Leu (NM_133378.4); c.17390G>T, p.Arg5797Leu (NM_133432.3); c.17591G>T, p.Arg5864Leu (NM_133437.4); short protein forms R12169L, R14737L, R13096L, R5797L, R5864L, R5672L.
Identifiers: ClinVar variation 263732 (VCV000263732.30), dbSNP rs373298007, ClinGen allele CA1995718.

ClinVar aggregate classification (germline): Conflicting classifications of pathogenicity. Review status: criteria provided, conflicting classifications (1 of 4 stars). 13 submissions from 9 submitters: Uncertain significance (5); Benign (3); Likely benign (4). 1 of the submissions does not count toward it. Last evaluated 2026-02-03.

Conditions:
Cardiovascular phenotype. Identifiers: MedGen CN230736.
TTN-related disorder. Also called: TTN-related condition; TTN-related disease; TTN-related disorders.
Autosomal recessive limb-girdle muscular dystrophy type 2J (LGMDR10). Also called: Limb-girdle muscular dystrophy, type 2J; MUSCULAR DYSTROPHY, LIMB-GIRDLE, AUTOSOMAL RECESSIVE 10. Identifiers: Orphanet 140922, MedGen C1837342, MONDO:0012127, OMIM 608807.
Dilated cardiomyopathy 1G (CMD1G). Identifiers: Orphanet 154, MedGen C1858763, MONDO:0011400, OMIM 604145.
Tibial muscular dystrophy (TMD). Also called: Tibial muscular dystrophy, tardive; Udd Distal Myopathy – Tibial Muscular Dystrophy; UDD MYOPATHY. Identifiers: Orphanet 609, MedGen C1838244, MONDO:0010870, OMIM 600334.
Myopathy, myofibrillar, 9, with early respiratory failure (MFM9). Also called: Hereditary myopathy with early respiratory failure; Myopathy, distal, with early respiratory failure, autosomal dominant; EDSTROM MYOPATHY; MYOPATHY, PROXIMAL, WITH EARLY RESPIRATORY MUSCLE INVOLVEMENT. Identifiers: Orphanet 178464, Orphanet 34521, MedGen C1863599, MONDO:0011362, OMIM 603689.
Early-onset myopathy with fatal cardiomyopathy (CMYO5). Also called: CONGENITAL MYOPATHY 5 WITH CARDIOMYOPATHY; Salih Myopathy. Identifiers: Orphanet 289377, MedGen C2673677, MONDO:0012714, OMIM 611705. Disease mechanism: loss of function.

Allele frequency attached by ClinVar (database versions not stated): TOPMed 0.00025; 1000 Genomes Project 0.00060; 1000 Genomes Project 30x 0.00078.
gnomAD v4.1: 111 of 1,612,972 alleles (0.0069%); highest among the groups gnomAD compares: East Asian, 0.21%; no homozygotes.

Submissions (13):

Labcorp Genetics (formerly Invitae), Labcorp
Classification: Likely benign for Dilated cardiomyopathy 1G; Autosomal recessive limb-girdle muscular dystrophy type 2J. Last evaluated: 2026-02-03. Review status: criteria provided, single submitter. Criteria: Invitae Variant Classification Sherloc (09022015). Collection method: clinical testing. Allele origin: germline.

Mayo Clinic Laboratories, Mayo Clinic
Classification: Likely benign. Last evaluated: 2025-04-02. Review status: criteria provided, single submitter. Criteria: ACMG Guidelines, 2015. Collection method: clinical testing. Allele origin: germline. Observed: 1 variant allele.
Comment: BS1, BP4_moderate

Revvity Omics, Revvity
Classification: Uncertain significance. Last evaluated: 2023-12-14. Review status: criteria provided, single submitter. Criteria: ACMG Guidelines, 2015. Collection method: clinical testing. Allele origin: germline.

Blueprint Genetics
Classification: Likely benign. Last evaluated: 2023-11-29. Review status: criteria provided, single submitter. Criteria: ACMG Guidelines, 2015. Collection method: clinical testing. Allele origin: germline.

Women's Health and Genetics/Laboratory Corporation of America, LabCorp
Classification: Benign. Last evaluated: 2023-01-23. Review status: criteria provided, single submitter. Criteria: LabCorp Variant Classification Summary - May 2015. Collection method: clinical testing. Allele origin: germline.
Comment: Variant summary: TTN c.36506G>T (p.Arg12169Leu) results in a non-conservative amino acid change located in the I-band of the encoded protein sequence. Two of four in-silico tools predict a benign effect of the variant on protein function. The variant allele was found at a frequency of 0.00021 in 248338 control chromosomes, predominantly at a frequency of 0.0027 within the East Asian subpopulation in the gnomAD database. The observed variant frequency within East Asian control individuals in the gnomAD database is approximately 7 fold of the estimated maximal expected allele frequency for a pathogenic variant in TTN causing Dilated Cardiomyopathy phenotype (0.00039), strongly suggesting that the variant is a benign polymorphism found primarily in populations of East Asian origin. To our knowledge, no occurrence of c.36506G>T in individuals affected with Dilated Cardiomyopathy and no experimental evidence demonstrating its impact on protein function have been reported. Four clinical diagnostic laboratories have submitted clinical-significance assessments for this variant to ClinVar after 2014 without evidence for independent evaluation (benign/likely benign n=3, VUS n=1). Based on the evidence outlined above, the variant was classified as benign.

GeneDx
Classification: Likely benign. Last evaluated: 2019-12-06. Review status: criteria provided, single submitter. Criteria: GeneDx Variant Classification Process June 2021. Collection method: clinical testing. Allele origin: germline. Affected: yes.

Illumina Laboratory Services, Illumina
Classification: Uncertain significance for Autosomal recessive limb-girdle muscular dystrophy type 2J. Last evaluated: 2018-01-12. Review status: criteria provided, single submitter. Criteria: ICSL Variant Classification Criteria 13 December 2019. Collection method: clinical testing. Allele origin: germline.

Illumina Laboratory Services, Illumina
Classification: Benign for Myopathy, myofibrillar, 9, with early respiratory failure. Last evaluated: 2018-01-12. Review status: criteria provided, single submitter. Criteria: ICSL Variant Classification Criteria 13 December 2019. Collection method: clinical testing. Allele origin: germline.
Comment: This variant was observed in the ICSL laboratory as part of a predisposition screen in an ostensibly healthy population. It had not been previously curated by ICSL or reported in the Human Gene Mutation Database (HGMD: prior to June 1st, 2018), and was therefore a candidate for classification through an automated scoring system. Utilizing variant allele frequency, disease prevalence and penetrance estimates, and inheritance mode, an automated score was calculated to assess if this variant is too frequent to cause the disease. Based on the score and internal cut-off values, a variant classified as benign is not then subjected to further curation. The score for this variant resulted in a classification of benign for this disease.

Illumina Laboratory Services, Illumina
Classification: Uncertain significance for Dilated cardiomyopathy 1G. Last evaluated: 2018-01-12. Review status: criteria provided, single submitter. Criteria: ICSL Variant Classification Criteria 13 December 2019. Collection method: clinical testing. Allele origin: germline.

Illumina Laboratory Services, Illumina
Classification: Uncertain significance for Early-onset myopathy with fatal cardiomyopathy. Last evaluated: 2018-01-12. Review status: criteria provided, single submitter. Criteria: ICSL Variant Classification Criteria 13 December 2019. Collection method: clinical testing. Allele origin: germline.

Illumina Laboratory Services, Illumina
Classification: Benign for Tibial muscular dystrophy. Last evaluated: 2018-01-12. Review status: criteria provided, single submitter. Criteria: ICSL Variant Classification Criteria 13 December 2019. Collection method: clinical testing. Allele origin: germline.
Comment: the same text as in the submission from Illumina Laboratory Services, Illumina above.

Ambry Genetics
Classification: Uncertain significance for Cardiovascular phenotype. Last evaluated: 2013-09-10. Review status: criteria provided, single submitter. Criteria: Ambry Autosomal Dominant and X-Linked criteria (10/2015). Collection method: clinical testing. Allele origin: germline. Observed: 1 variant allele.
Comment: The p.R12169L variant (also known as c.36506G>T) is located in coding exon 187 of the TTNgene. This alteration results from a G to T substitution at nucleotide position 36506. The arginine at codon 12169 is replaced by leucine, an amino acid with dissimilar properties. This variant was not reported in population-based cohorts in the following databases: Database of Single Nucleotide Polymorphisms (dbSNP), the 1000 Genomes Project and the NHLBI Exome Sequencing Project (ESP). In the ESP, this variant was not observed in 5933samples (11866 alleles) with coverage at this position. Based on protein sequence alignment, thisamino acid position is well conserved through mammals and birds, but is not conserved throughout available vertebrate species. In addition, this alteration is predicted to be benign by PolyPhen analysis. Since supporting evidence is limited at this time, the clinical significance of this variant remains unclear.

PreventionGenetics, part of Exact Sciences
Classification: Likely benign for TTN-related condition. Last evaluated: 2023-11-29. Review status: no assertion criteria provided. Collection method: clinical testing. Allele origin: germline. Not counted in ClinVar's aggregate classification.
Comment: This variant is classified as likely benign based on ACMG/AMP sequence variant interpretation guidelines (Richards et al. 2015 PMID: 25741868, with internal and published modifications).